The following is an entry in ClinVar:

NM_001353345.2(SETD1B):c.5828A>G (p.Tyr1943Cys)

Gene: SETD1B (SET domain containing 1B, histone lysine methyltransferase; plus strand). Cytogenetic location: 12q24.31.
Variant type: single nucleotide variant.
Coding change: c.5828A>G on transcript NM_001353345.2 (MANE Select); coding-DNA position 5828, A replaced by G.
Protein change: p.Tyr1943Cys; replaces tyrosine 1943 with cysteine.
Molecular consequence: missense variant.
Genome position (GRCh38, 1-based): chr12:121,830,166, A>G. VCF-style: chr12-121830166-A-G. GRCh37 (hg19) VCF-style: chr12-122268072-A-G.
Other names: c.5828A>G (NM_001353345.1); short protein forms Y1943C.
Identifiers: ClinVar variation 976775 (VCV000976775.34), dbSNP rs1877026008, ClinGen allele CA387006140.

ClinVar aggregate classification (germline): Pathogenic/Likely pathogenic. Review status: criteria provided, multiple submitters, no conflicts (2 of 4 stars). 3 submissions from 3 submitters: Pathogenic (1); Likely pathogenic (2). Last evaluated 2025-03-12.

Conditions:
SETD1B-associated disorder.

Allele frequency attached by ClinVar (database versions not stated): gnomAD exomes below 0.00001.
gnomAD v4.1: 1 of 1,551,530 alleles (0.000064%); no homozygotes.

Submissions (3):

GeneDx
Classification: Pathogenic. Last evaluated: 2025-03-12. Review status: criteria provided, single submitter. Criteria: GeneDx Variant Classification Process June 2021. Collection method: clinical testing. Allele origin: germline. Affected: yes.
Comment: Not observed at significant frequency in large population cohorts (gnomAD); In silico analysis supports that this missense variant has a deleterious effect on protein structure/function; In silico analysis suggests this variant may impact gene splicing. In the absence of RNA/functional studies, the actual effect of this sequence change is unknown.; This variant is associated with the following publications: (PMID: 33619735, 35385430, 34345025, 35982159, 33057194)

CeGaT Center for Human Genetics Tuebingen
Classification: Likely pathogenic. Last evaluated: 2022-07-01. Review status: criteria provided, single submitter. Criteria: CeGaT Center For Human Genetics Tuebingen Variant Classification Criteria Version 2. Collection method: clinical testing. Allele origin: germline. Affected: yes. Observed: 1 variant allele.
Comment: SETD1B: PM2, PS2:Moderate, PS4:Moderate, PP2, PP3

Institute of Human Genetics Munich, TUM University Hospital
Classification: Likely pathogenic for SETD1B-associated disorder. Last evaluated: 2020-02-18. Review status: criteria provided, single submitter. Criteria: Classification criteria August 2017. Collection method: clinical testing. Allele origin: de novo. Inheritance: Autosomal dominant inheritance. Affected: yes. Observed: 1 heterozygote.